The following is an entry in ClinVar:

NM_022089.4(ATP13A2):c.3399G>A (p.Met1133Ile)

Gene: ATP13A2 (ATPase cation transporting 13A2; minus strand). Cytogenetic location: 1p36.13.
Variant type: single nucleotide variant.
Coding change: c.3399G>A on transcript NM_022089.4 (MANE Select); coding-DNA position 3399, G replaced by A.
Protein change: p.Met1133Ile; replaces methionine 1133 with isoleucine.
Molecular consequence: missense variant. On other transcripts: intron variant (1).
Genome position (GRCh38, 1-based): chr1:16,986,469, C>T on the plus strand (G>A on the coding strand, the complement: ATP13A2 is on the minus strand). VCF-style: chr1-16986469-C-T. GRCh37 (hg19) VCF-style: chr1-17312964-C-T.
Other names: c.3384G>A, p.Met1128Ile (NM_001141973.3); c.3104-111G>A (NM_001141974.3); short protein forms M1133I, M1128I.
Identifiers: ClinVar variation 2183026 (VCV002183026.4), dbSNP rs2076727609, ClinGen allele CA338232681.

ClinVar aggregate classification (germline): Uncertain significance (1 of 4 stars; one submission).

Conditions:
Kufor-Rakeb syndrome (KRS). Also called: PARKINSON DISEASE 9, AUTOSOMAL RECESSIVE, JUVENILE-ONSET. Identifiers: Orphanet 306674, Orphanet 314632, MedGen C1847640, MONDO:0011706, OMIM 606693.
Autosomal recessive spastic paraplegia type 78. Identifiers: Orphanet 513436, MedGen C5567893, MONDO:0014975, OMIM 617225.

Submission:

Labcorp Genetics (formerly Invitae), Labcorp
Classification: Uncertain significance for Kufor-Rakeb syndrome; Autosomal recessive spastic paraplegia type 78. Last evaluated: 2024-02-05. Review status: criteria provided, single submitter. Criteria: Invitae Variant Classification Sherloc (09022015). Collection method: clinical testing. Allele origin: germline.
Comment: This sequence change replaces methionine, which is neutral and non-polar, with isoleucine, which is neutral and non-polar, at codon 1133 of the ATP13A2 protein (p.Met1133Ile). This variant is not present in population databases (gnomAD no frequency). This variant has not been reported in the literature in individuals affected with ATP13A2-related conditions. ClinVar contains an entry for this variant (Variation ID: 2183026). Advanced modeling of protein sequence and biophysical properties (such as structural, functional, and spatial information, amino acid conservation, physicochemical variation, residue mobility, and thermodynamic stability) performed at Invitae indicates that this missense variant is not expected to disrupt ATP13A2 protein function with a negative predictive value of 80%. In summary, the available evidence is currently insufficient to determine the role of this variant in disease. Therefore, it has been classified as a Variant of Uncertain Significance.